The following is an entry in ClinVar:

NM_152393.4(KLHL40):c.1447T>C (p.Tyr483His)

Gene: KLHL40 (kelch like family member 40; plus strand). Cytogenetic location: 3p22.1.
Variant type: single nucleotide variant.
Coding change: c.1447T>C on transcript NM_152393.4 (MANE Select); coding-DNA position 1447, T replaced by C.
Protein change: p.Tyr483His; replaces tyrosine 483 with histidine.
Molecular consequence: missense variant.
Genome position (GRCh38, 1-based): chr3:42,688,894, T>C. VCF-style: chr3-42688894-T-C. GRCh37 (hg19) VCF-style: chr3-42730386-T-C.
Other names: short protein forms Y483H.
Identifiers: ClinVar variation 2112453 (VCV002112453.4), dbSNP rs2471311894, ClinGen allele CA352294154.

ClinVar aggregate classification (germline): Uncertain significance (1 of 4 stars; one submission).

Conditions:
Nemaline myopathy 8 (NEM8). Also called: Nemaline myopathy 8, autosomal recessive. Identifiers: Orphanet 171430, MedGen C3809209, MONDO:0014138, OMIM 615348.

Submission:

Labcorp Genetics (formerly Invitae), Labcorp
Classification: Uncertain significance for Nemaline myopathy 8. Last evaluated: 2022-03-15. Review status: criteria provided, single submitter. Criteria: Invitae Variant Classification Sherloc (09022015). Collection method: clinical testing. Allele origin: germline.
Comment: In summary, the available evidence is currently insufficient to determine the role of this variant in disease. Therefore, it has been classified as a Variant of Uncertain Significance. Algorithms developed to predict the effect of missense changes on protein structure and function are either unavailable or do not agree on the potential impact of this missense change (SIFT: "Tolerated"; PolyPhen-2: "Probably Damaging"; Align-GVGD: "Class C0"). This variant has not been reported in the literature in individuals affected with KLHL40-related conditions. This variant is not present in population databases (gnomAD no frequency). This sequence change replaces tyrosine, which is neutral and polar, with histidine, which is basic and polar, at codon 483 of the KLHL40 protein (p.Tyr483His).